The following is an entry in ClinVar:

NM_000558.5(HBA1):c.388del (p.Leu130fs)

Genes: HBA1 (hemoglobin subunit alpha 1; plus strand), LOC106804613 (hemoglobin subunit alpha 1 recombination region; plus strand). Cytogenetic location: 16p13.3.
Variant type: Deletion.
Coding change: c.388del on transcript NM_000558.5 (MANE Select); coding-DNA position 388, one base deleted (C; older notation c.388delC).
Protein change: p.Leu130fs; shifts the reading frame from leucine 130.
Molecular consequence: frameshift variant.
Genome position (GRCh38, 1-based): chr16:177,370, C deleted; the last of 2 consecutive C bases (chr16:177,369-177,370); deleting either gives the same sequence. VCF-style (leftmost placement, unchanged base first): chr16-177368-TC-T. GRCh37 (hg19) VCF-style: chr16-227367-TC-T.
Other names: short protein forms L130fs.
Identifiers: ClinVar variation 4069050 (VCV004069050.2).

ClinVar aggregate classification (germline): Likely pathogenic (1 of 4 stars; one submission).

Conditions:
alpha Thalassemia. Also called: Alpha thalassemia spectrum. Identifiers: Orphanet 846, MedGen C0002312, MONDO:0011399, OMIM 604131.

Submission:

Natera, Inc.
Classification: Likely pathogenic for Alpha thalassemia. Last evaluated: 2025-03-14. Review status: criteria provided, single submitter. Criteria: Natera Variant Classification Schema (03/2026). Collection method: clinical testing. Allele origin: germline.
Comment: The c.388del variant in HBA1 is a frameshift variant predicted to shift the reading frame beginning at codon 130 and leads to a stop codon 4 codons downstream. This variant is expected to result in nonsense mediated decay, truncation, or a dysfunctional protein product. This variant is rare in the general population with a frequency below the threshold expected for the associated phenotype(s). Given the available evidence, this variant is classified as Likely Pathogenic.